The following is an entry in ClinVar:

ClinVar aggregate classification (germline): Uncertain significance (1 of 4 stars; one submission).

Submission:

GeneDx
Classification: Uncertain significance. Last evaluated: 2023-12-22. Review status: criteria provided, single submitter. Criteria: GeneDx Variant Classification Process June 2021. Collection method: clinical testing. Allele origin: germline. Affected: yes.
Comment: Not observed at significant frequency in large population cohorts (gnomAD); Frameshift variant predicted to result in protein truncation or nonsense mediated decay in a gene or region of a gene for which loss of function is not a well-established mechanism of disease; Has not been previously published as pathogenic or benign to our knowledge; Variants in candidate genes are classified as variants of uncertain significance in accordance with ACMG guidelines (PMID: 25741868)

NM_006885.4(ZFHX3):c.6779dup (p.Phe2261fs)

Genes: ZFHX3 (zinc finger homeobox 3; minus strand), ZFHX3-AS1 (ZFHX3 antisense RNA 1; plus strand). Cytogenetic location: 16q22.2.
Variant type: Duplication.
Coding change: c.6779dup on transcript NM_006885.4 (MANE Select); coding-DNA position 6779, one base duplicated (T; older notation c.6779dupT).
Protein change: p.Phe2261fs; shifts the reading frame from phenylalanine 2261.
Molecular consequence: frameshift variant.
Genome position (GRCh38, 1-based): chr16:72,795,903, A duplicated on the plus strand (T on the coding strand, the reverse complement: ZFHX3 is on the minus strand); the first of 2 consecutive A bases (chr16:72,795,903-72,795,904); duplicating either gives the same sequence. VCF-style (leftmost placement, unchanged base first): chr16-72795902-G-GA. GRCh37 (hg19) VCF-style: chr16-72829801-G-GA.
Other names: c.4037dup, p.Phe1347fs (NM_001164766.2); c.6779dup, p.Phe2261fs (NM_001386735.1); short protein forms F1347fs, F2261fs.
Identifiers: ClinVar variation 3370165 (VCV003370165.1).